The following is an entry in ClinVar:

NM_000548.5(TSC2):c.3365G>T (p.Arg1122Leu)

Gene: TSC2 (TSC complex subunit 2; plus strand). Cytogenetic location: 16p13.3.
Variant type: single nucleotide variant.
Coding change: c.3365G>T on transcript NM_000548.5 (MANE Select); coding-DNA position 3365, G replaced by T.
Protein change: p.Arg1122Leu; replaces arginine 1122 with leucine.
Molecular consequence: missense variant.
Genome position (GRCh38, 1-based): chr16:2,079,637, G>T. VCF-style: chr16-2079637-G-T. GRCh37 (hg19) VCF-style: chr16-2129638-G-T.
Other names: c.3233G>T, p.Arg1078Leu (NM_001077183.3, NM_001370404.1); c.2633G>T, p.Arg878Leu (NM_001318831.2); c.3266G>T, p.Arg1089Leu (NM_001318832.2); c.3236G>T, p.Arg1079Leu (NM_001363528.2, NM_001370405.1, NM_021055.3); c.3365G>T, p.Arg1122Leu (NM_001114382.3); c.3125G>T, p.Arg1042Leu (NM_001318827.2); c.3089G>T, p.Arg1030Leu (NM_001318829.2); c.3365G>T (NM_000548.3); short protein forms R1079L, R1089L, R1042L, R1078L, R1030L, R1122L, R878L.
Identifiers: ClinVar variation 1429885 (VCV001429885.15), dbSNP rs369536711, ClinGen allele CA394286674.

ClinVar aggregate classification (germline): Uncertain significance. Review status: criteria provided, multiple submitters, no conflicts (2 of 4 stars). 3 submissions from 3 submitters: Uncertain significance (3). Last evaluated 2025-07-12.

Conditions:
Lymphangiomyomatosis (LAM). Also called: Lymphangioleiomyomatosis; Lymphangioleiomyomatosis, somatic. Identifiers: Orphanet 538, MedGen C0751674, MONDO:0011705, OMIM 606690.
Isolated focal cortical dysplasia type II (FCORD2). Also called: Focal cortical dysplasia type II; CORTICAL DYSPLASIA OF TAYLOR. Identifiers: Orphanet 268994, MedGen C1846385, MONDO:0011818, OMIM 607341, HP:0032051.
Tuberous sclerosis 2 (TSC2). Identifiers: Orphanet 805, MedGen C1860707, MONDO:0013199, OMIM 613254.
Hereditary cancer-predisposing syndrome. Also called: Hereditary neoplastic syndrome; Tumor predisposition; Hereditary Cancer Syndrome; Neoplastic Syndromes, Hereditary. Identifiers: Orphanet 140162, MedGen C0027672, MeSH D009386, MONDO:0015356.

Submissions (3):

Ambry Genetics
Classification: Uncertain significance for Hereditary cancer-predisposing syndrome. Last evaluated: 2025-07-12. Review status: criteria provided, single submitter. Criteria: Ambry Variant Classification Scheme 2023. Collection method: clinical testing. Allele origin: germline.
Comment: The p.R1122L variant (also known as c.3365G>T), located in coding exon 28 of the TSC2 gene, results from a G to T substitution at nucleotide position 3365. The arginine at codon 1122 is replaced by leucine, an amino acid with dissimilar properties. This amino acid position is not well conserved in available vertebrate species. In addition, the in silico prediction for this alteration is inconclusive. Since supporting evidence is limited at this time, the clinical significance of this alteration remains unclear.

Labcorp Genetics (formerly Invitae), Labcorp
Classification: Uncertain significance for Tuberous sclerosis 2. Last evaluated: 2025-01-14. Review status: criteria provided, single submitter. Criteria: Invitae Variant Classification Sherloc (09022015). Collection method: clinical testing. Allele origin: germline.
Comment: This sequence change replaces arginine, which is basic and polar, with leucine, which is neutral and non-polar, at codon 1122 of the TSC2 protein (p.Arg1122Leu). This variant is not present in population databases (gnomAD no frequency). This variant has not been reported in the literature in individuals affected with TSC2-related conditions. ClinVar contains an entry for this variant (Variation ID: 1429885). Invitae Evidence Modeling of protein sequence and biophysical properties (such as structural, functional, and spatial information, amino acid conservation, physicochemical variation, residue mobility, and thermodynamic stability) indicates that this missense variant is not expected to disrupt TSC2 protein function with a negative predictive value of 95%. In summary, the available evidence is currently insufficient to determine the role of this variant in disease. Therefore, it has been classified as a Variant of Uncertain Significance.

Fulgent Genetics
Classification: Uncertain significance for Lymphangiomyomatosis; Isolated focal cortical dysplasia type II; Tuberous sclerosis 2. Last evaluated: 2021-10-23. Review status: criteria provided, single submitter. Criteria: ACMG Guidelines, 2015. Collection method: clinical testing. Allele origin: unknown.